The following is an entry in ClinVar:

ClinVar aggregate classification (germline): Uncertain significance (1 of 4 stars; one submission).

Conditions:
Neuropathy, hereditary sensory and autonomic, type 1C. Also called: HSAN IC; HSN IC. Identifiers: Orphanet 36386, MedGen C3150896, MONDO:0013337, OMIM 613640.

Allele frequency attached by ClinVar (database versions not stated): gnomAD exomes below 0.00001.

Submission:

Labcorp Genetics (formerly Invitae), Labcorp
Classification: Uncertain significance for Neuropathy, hereditary sensory and autonomic, type 1C. Last evaluated: 2017-10-10. Review status: criteria provided, single submitter. Criteria: Invitae Variant Classification Sherloc (09022015). Collection method: clinical testing. Allele origin: germline.
Comment: In summary, the available evidence is currently insufficient to determine the role of this variant in disease. Therefore, it has been classified as a Variant of Uncertain Significance. Algorithms developed to predict the effect of missense changes on protein structure and function (SIFT, PolyPhen-2, Align-GVGD) all suggest that this variant is likely to be tolerated, but these predictions have not been confirmed by published functional studies and their clinical significance is uncertain. This variant has not been reported in the literature in individuals with SPTLC2-related disease. This variant is not present in population databases (ExAC no frequency). This sequence change replaces asparagine with serine at codon 133 of the SPTLC2 protein (p.Asn133Ser). The asparagine residue is moderately conserved and there is a small physicochemical difference between asparagine and serine.

NM_004863.4(SPTLC2):c.398A>G (p.Asn133Ser)

Gene: SPTLC2 (serine palmitoyltransferase long chain base subunit 2; minus strand). Cytogenetic location: 14q24.3.
Variant type: single nucleotide variant.
Coding change: c.398A>G on transcript NM_004863.4 (MANE Select); coding-DNA position 398, A replaced by G.
Protein change: p.Asn133Ser; replaces asparagine 133 with serine.
Molecular consequence: missense variant.
Genome position (GRCh38, 1-based): chr14:77,579,039, T>C on the plus strand (A>G on the coding strand, the complement: SPTLC2 is on the minus strand). VCF-style: chr14-77579039-T-C. GRCh37 (hg19) VCF-style: chr14-78045382-T-C.
Other names: short protein forms N133S.
Identifiers: ClinVar variation 538846 (VCV000538846.8), dbSNP rs1555376645, ClinGen allele CA390700891.